The following is an entry in ClinVar:

ClinVar aggregate classification (germline): Uncertain significance (1 of 4 stars; one submission).

Conditions:
SEMA3E-related disorder. Also called: SEMA3E-related condition.

gnomAD v4.1: 1 of 1,613,190 alleles (0.000062%); highest among the groups gnomAD compares: Non-Finnish European, 0.000085%; no homozygotes.

Submission:

PreventionGenetics, part of Exact Sciences
Classification: Uncertain significance for SEMA3E-related condition. Last evaluated: 2025-06-23. Review status: criteria provided, single submitter. Criteria: ACMG Guidelines, 2015. Collection method: clinical testing. Allele origin: germline.
Comment: The SEMA3E c.188T>C variant is predicted to result in the amino acid substitution p.Leu63Pro. To our knowledge, this variant has not been reported in the literature or in a large population database (gnomAD), indicating this variant is rare. At this time, the clinical significance of this variant is uncertain due to the absence of conclusive functional and genetic evidence.

NM_012431.3(SEMA3E):c.188T>C (p.Leu63Pro)

Gene: SEMA3E (semaphorin 3E; minus strand). Cytogenetic location: 7q21.11.
Variant type: single nucleotide variant.
Coding change: c.188T>C on transcript NM_012431.3 (MANE Select); coding-DNA position 188, T replaced by C.
Protein change: p.Leu63Pro; replaces leucine 63 with proline.
Molecular consequence: missense variant.
Genome position (GRCh38, 1-based): chr7:83,490,202, A>G on the plus strand (T>C on the coding strand, the complement: SEMA3E is on the minus strand). VCF-style: chr7-83490202-A-G. GRCh37 (hg19) VCF-style: chr7-83119518-A-G.
Other names: c.8T>C, p.Leu3Pro (NM_001178129.2); short protein forms L3P, L63P.
Identifiers: ClinVar variation 4998690 (VCV004998690.1).